The following is an entry in ClinVar:

ClinVar aggregate classification (germline): Conflicting classifications of pathogenicity. Review status: criteria provided, conflicting classifications (1 of 4 stars). 2 submissions from 2 submitters: Uncertain significance (1); Likely benign (1). Last evaluated 2021-05-27.

Conditions:
Inborn genetic diseases. Identifiers: MedGen C0950123, MeSH D030342.

Submissions (2):

Ambry Genetics
Classification: Uncertain significance for Inborn genetic diseases. Last evaluated: 2021-05-27. Review status: criteria provided, single submitter. Criteria: Ambry Variant Classification Scheme 2023. Collection method: clinical testing. Allele origin: germline.
Comment: The c.671_679delCGCCGCCGC (p.P224_P226del) alteration is located in exon 7 (coding exon 7) of the CTNND2 gene. This alteration consists of an in-frame deletion of 9 nucleotides between nucleotide positions c.671 and c.679, resulting in the deletion of 3 residues. Based on insufficient or conflicting evidence, the clinical significance of this alteration remains unclear.

GeneDx
Classification: Likely benign. Last evaluated: 2020-02-03. Review status: criteria provided, single submitter. Criteria: GeneDx Variant Classification Process June 2021. Collection method: clinical testing. Allele origin: germline. Affected: yes.

NM_001332.4(CTNND2):c.656CGC[5] (p.Pro224_Pro226del)

Gene: CTNND2 (catenin delta 2; minus strand). Cytogenetic location: 5p15.2.
Variant type: Microsatellite.
Coding change: c.656CGC[5] on transcript NM_001332.4 (MANE Select); five copies in a row of the 3-base unit CGC starting at c.656; the reference has eight copies in a row; three copies, 9 bases deleted.
Protein change: p.Pro224_Pro226del.
Molecular consequence: inframe deletion. On other transcripts: intron variant (3).
Genome position (GRCh38, 1-based): chr5:11,385,163-11,385,171, GCGGCGGCG deleted on the plus strand (CGCCGCCGC on the coding strand, the reverse complement: CTNND2 is on the minus strand); deleting any 9 consecutive bases within chr5:11,385,163-11,385,186 gives the same sequence; the position shown is the placement nearest the transcript's 3' end. VCF-style (leftmost placement, unchanged base first): chr5-11385162-CGCGGCGGCG-C. GRCh37 (hg19) VCF-style: chr5-11385274-CGCGGCGGCG-C.
Other names: c.383CGC[5], p.Pro133_Pro135del (NM_001288715.1); c.-123+11845CGC[5] (NM_001288717.2); c.167-20296CGC[5] (NM_001364128.2, NM_001288716.1); c.671_679delCGCCGCCGC (NM_001332.2).
Identifiers: ClinVar variation 1316620 (VCV001316620.4), dbSNP rs557341981, ClinGen allele CA443542025.